The following is an entry in ClinVar:

ClinVar aggregate classification (germline): Pathogenic/Likely pathogenic. Review status: criteria provided, multiple submitters, no conflicts (2 of 4 stars). 2 submissions from 2 submitters: Pathogenic (1); Likely pathogenic (1). Last evaluated 2024-06-07.

Conditions:
Mucopolysaccharidosis, MPS-II (MPS2). Also called: Mucopolysaccharidosis with skin involvement; IDS deficiency; Sulfoiduronate sulfatase deficiency; SIDS deficiency; Mucopolysaccharidosis type 2; Attenuated MPS (subtype; formerly known as mild MPS II). Identifiers: Orphanet 580, Orphanet 79388, MedGen C0026705, MONDO:0010674, OMIM 309900.

Submissions (2):

Laboratory of Diagnosis and Therapy of Lysosomal Disorders, University of Padova
Classification: Pathogenic for Mucopolysaccharidosis, MPS-II. Last evaluated: 2024-06-07. Review status: criteria provided, single submitter. Criteria: ACMG Guidelines, 2015. Collection method: literature only. Allele origin: germline. Affected: yes. Observed: 1 variant allele.
Comment: Absent from controls (or at low frequency) in gnomAD database (PM2_Moderate), Missense change at the same amino acid residue as a pathogenic variant (PM5_Moderate), Missense variant in a gene with a low rate of benign missense variation (PP2_Supporting), Multiple lines of computational evidence support a deleterious effect (PP3_Supporting), Patient’s phenotype or family history highly specific for the disease (PP4_Strong)

Classification method: ACMG Guidelines [PMID:25741868] with modifications

CeGaT Center for Human Genetics Tuebingen
Classification: Likely pathogenic. Last evaluated: 2022-06-01. Review status: criteria provided, single submitter. Criteria: CeGaT Center For Human Genetics Tuebingen Variant Classification Criteria Version 2. Collection method: clinical testing. Allele origin: germline. Affected: yes. Observed: 1 variant allele.
Comment: IDS: PM2, PM5, PP3, PP4

Literature cited by the submitters: PubMed 35225932 (cited by Laboratory of Diagnosis and Therapy of Lysosomal Disorders, University of Padova).

NM_000202.8(IDS):c.1018G>C (p.Gly340Arg)

Genes: IDS (iduronate 2-sulfatase; minus strand), LOC106050102 (IDS recombination region; plus strand). Cytogenetic location: Xq28.
Variant type: single nucleotide variant.
Coding change: c.1018G>C on transcript NM_000202.8 (MANE Select); coding-DNA position 1018, G replaced by C.
Protein change: p.Gly340Arg; replaces glycine 340 with arginine.
Molecular consequence: missense variant.
Genome position (GRCh38, 1-based): chrX:149,487,087, C>G on the plus strand (G>C on the coding strand, the complement: IDS is on the minus strand). VCF-style: chrX-149487087-C-G. GRCh37 (hg19) VCF-style: chrX-148568618-C-G.
Other names: c.748G>C, p.Gly250Arg (NM_001166550.4); short protein forms G250R, G340R.
Identifiers: ClinVar variation 1695321 (VCV001695321.32), dbSNP rs2124006398, ClinGen allele CA414519022.
Genomic context (GRCh38, chrX:149,487,087, plus strand): 5'-TCAGGGGAACATGGGTAGCAACATCAAAATTGCTGTATTTGGCCCATTCTCCATGTTCAC[C>G]TAGAGCCCACCCTAGTTCATAAAAAGCACAGAATGACAGAAAATGAATAATCATCATACC-3'
Protein context (NP_000193.1, residues 330-350): AFTSDHGWAL[Gly340Arg]EHGEWAKYSN